The following is an entry in ClinVar:

ClinVar aggregate classification (germline): Pathogenic (1 of 4 stars; one submission).

Conditions:
Primary familial dilated cardiomyopathy (FDC). Also called: Familial dilated cardiomyopathy; Hypokinetic dilated cardiomyopathy, familial. Identifiers: Orphanet 217607, MedGen C0340427, MONDO:0016333.

Submission:

Women's Health and Genetics/Laboratory Corporation of America, LabCorp
Classification: Pathogenic for Primary familial dilated cardiomyopathy. Last evaluated: 2025-12-23. Review status: criteria provided, single submitter. Criteria: LabCorp Variant Classification Summary - May 2015. Collection method: clinical testing. Allele origin: germline.
Comment: Variant summary: The variant involves the deletion of exons 1-12 in the LMNA gene. A presumed nomenclature of c.(?_-209)_(*976_?)del has been designated for the purposes of this classification. This deletion includes the entire coding sequence of the gene. As the exact proximal and distal breakpoints are unknown, it may extend beyond the annotated region of the gene to include other flanking genes. Loss-of-function variants in this gene are known to be pathogenic. The variant was absent in 21694 control chromosomes. c.(?_-209)_(*976_?)del has been observed in individual(s) affected with Dilated Cardiomyopathy. To our knowledge, no experimental evidence demonstrating an impact on protein function has been reported. The following publication have been ascertained in the context of this evaluation (PMID: 38927710). ClinVar contains an entry for this variant (Variation ID: 543301). Based on the evidence outlined above, the variant was classified as pathogenic.

Literature cited by the submitters: PubMed 38927710.

NC_000001.10:g.(?_156084501)_(156109873_?)del

Gene: LMNA (lamin A/C; plus strand). Cytogenetic location: 1q22.
Variant type: Deletion.
Identifiers: ClinVar variation 4688860 (VCV004688860.1).